The following is an entry in ClinVar:

ClinVar aggregate classification (germline): Uncertain significance. Review status: criteria provided, multiple submitters, no conflicts (2 of 4 stars). 2 submissions from 2 submitters: Uncertain significance (2). Last evaluated 2025-04-22.

Conditions:
Hereditary cancer-predisposing syndrome. Also called: Tumor predisposition; Neoplastic Syndromes, Hereditary; Hereditary neoplastic syndrome; Hereditary Cancer Syndrome. Identifiers: Orphanet 140162, MedGen C0027672, MeSH D009386, MONDO:0015356.

Submissions (2):

Labcorp Genetics (formerly Invitae), Labcorp
Classification: Uncertain significance. Last evaluated: 2025-04-22. Review status: criteria provided, single submitter. Criteria: Invitae Variant Classification Sherloc (09022015). Collection method: clinical testing. Allele origin: germline.
Comment: This sequence change replaces isoleucine, which is neutral and non-polar, with asparagine, which is neutral and polar, at codon 201 of the POLE protein (p.Ile201Asn). This variant is not present in population databases (gnomAD no frequency). This variant has not been reported in the literature in individuals affected with POLE-related conditions. ClinVar contains an entry for this variant (Variation ID: 1017665). An algorithm developed to predict the effect of missense changes on protein structure and function (PolyPhen-2) suggests that this variant is likely to be tolerated. In summary, the available evidence is currently insufficient to determine the role of this variant in disease. Therefore, it has been classified as a Variant of Uncertain Significance.

Ambry Genetics
Classification: Uncertain significance for Hereditary cancer-predisposing syndrome. Last evaluated: 2023-08-04. Review status: criteria provided, single submitter. Criteria: Ambry Variant Classification Scheme 2023. Collection method: clinical testing. Allele origin: germline.
Comment: The p.I201N variant (also known as c.602T>A), located in coding exon 7 of the POLE gene, results from a T to A substitution at nucleotide position 602. The isoleucine at codon 201 is replaced by asparagine, an amino acid with dissimilar properties. This amino acid position is conserved. In addition, this alteration is predicted to be tolerated by in silico analysis. Since supporting evidence is limited at this time, the clinical significance of this alteration remains unclear.

NM_006231.4(POLE):c.602T>A (p.Ile201Asn)

Gene: POLE (DNA polymerase epsilon, catalytic subunit; minus strand). Cytogenetic location: 12q24.33.
Variant type: single nucleotide variant.
Coding change: c.602T>A on transcript NM_006231.4 (MANE Select); coding-DNA position 602, T replaced by A.
Protein change: p.Ile201Asn; replaces isoleucine 201 with asparagine.
Molecular consequence: missense variant.
Genome position (GRCh38, 1-based): chr12:132,677,696, A>T on the plus strand (T>A on the coding strand, the complement: POLE is on the minus strand). VCF-style: chr12-132677696-A-T. GRCh37 (hg19) VCF-style: chr12-133254282-A-T.
Other names: c.602T>A (NM_006231.2); short protein forms I201N.
Identifiers: ClinVar variation 1017665 (VCV001017665.10), dbSNP rs375209004, ClinGen allele CA387365410.
Genomic context (GRCh38, chr12:132,677,696, plus strand): 5'-ATGTCCACAATGTTGTCCAACTGGTCAGCTATCTTCTTAGAGGTTTCCTCTTCATCAGTA[A>T]TGACACCGCCCCTCTGCAGAACACTAGGAATTAACAAGAGAGCAACTAACTCAGCTGCCA-3'
Protein context (NP_006222.2, residues 191-211): LSSVLQRGGV[Ile201Asn]TDEEETSKKI